The following is an entry in ClinVar:

ClinVar aggregate classification (germline): Uncertain significance (1 of 4 stars; one submission).

Conditions:
Hereditary cancer-predisposing syndrome. Also called: Neoplastic Syndromes, Hereditary; Tumor predisposition; Hereditary neoplastic syndrome; Hereditary Cancer Syndrome. Identifiers: Orphanet 140162, MedGen C0027672, MeSH D009386, MONDO:0015356.

Submission:

Ambry Genetics
Classification: Uncertain significance for Hereditary cancer-predisposing syndrome. Last evaluated: 2023-01-25. Review status: criteria provided, single submitter. Criteria: Ambry Variant Classification Scheme 2023. Collection method: clinical testing. Allele origin: germline.
Comment: The p.I125V variant (also known as c.373A>G), located in coding exon 4 of the MRE11A gene, results from an A to G substitution at nucleotide position 373. The isoleucine at codon 125 is replaced by valine, an amino acid with highly similar properties. This amino acid position is conserved. In addition, this alteration is predicted to be tolerated by in silico analysis. Since supporting evidence is limited at this time, the clinical significance of this alteration remains unclear.

NM_005591.4(MRE11):c.373A>G (p.Ile125Val)

Gene: MRE11 (MRE11 double strand break repair nuclease; minus strand). Cytogenetic location: 11q21.
Variant type: single nucleotide variant.
Coding change: c.373A>G on transcript NM_005591.4 (MANE Select); coding-DNA position 373, A replaced by G.
Protein change: p.Ile125Val; replaces isoleucine 125 with valine.
Molecular consequence: missense variant.
Genome position (GRCh38, 1-based): chr11:94,479,703, T>C on the plus strand (A>G on the coding strand, the complement: MRE11 is on the minus strand). VCF-style: chr11-94479703-T-C. GRCh37 (hg19) VCF-style: chr11-94212869-T-C.
Other names: c.373A>G, p.Ile125Val (NM_001330347.2, NM_005590.4); short protein forms I125V.
Identifiers: ClinVar variation 2451368 (VCV002451368.2), dbSNP rs2496567014, ClinGen allele CA382378371.